The following is an entry in ClinVar:

ClinVar aggregate classification (germline): Uncertain significance (1 of 4 stars; one submission).

Allele frequency attached by ClinVar (database versions not stated): ExAC 0.00001; gnomAD 0.00003; TOPMed 0.00005.
gnomAD v4.1: 3 of 1,209,141 alleles (0.00025%); highest among the groups gnomAD compares: African/African-American, 0.0053%; no homozygotes.

Submission:

Labcorp Genetics (formerly Invitae), Labcorp
Classification: Uncertain significance. Last evaluated: 2022-08-31. Review status: criteria provided, single submitter. Criteria: Invitae Variant Classification Sherloc (09022015). Collection method: clinical testing. Allele origin: germline.
Comment: The frequency data for this variant in the population databases is considered unreliable, as metrics indicate poor data quality at this position in the gnomAD database. This variant has not been reported in the literature in individuals affected with PQBP1-related conditions. This sequence change replaces arginine, which is basic and polar, with glutamine, which is neutral and polar, at codon 133 of the PQBP1 protein (p.Arg133Gln). In summary, the available evidence is currently insufficient to determine the role of this variant in disease. Therefore, it has been classified as a Variant of Uncertain Significance. Algorithms developed to predict the effect of missense changes on protein structure and function (SIFT, PolyPhen-2, Align-GVGD) all suggest that this variant is likely to be tolerated.

NM_001032382.2(PQBP1):c.398G>A (p.Arg133Gln)

Gene: PQBP1 (polyglutamine binding protein 1; plus strand). Cytogenetic location: Xp11.23.
Variant type: single nucleotide variant.
Coding change: c.398G>A on transcript NM_001032382.2 (MANE Select); coding-DNA position 398, G replaced by A.
Protein change: p.Arg133Gln; replaces arginine 133 with glutamine.
Molecular consequence: missense variant. On other transcripts: intron variant (2).
Genome position (GRCh38, 1-based): chrX:48,902,338, G>A. VCF-style: chrX-48902338-G-A. GRCh37 (hg19) VCF-style: chrX-48759615-G-A.
Other names: c.398G>A, p.Arg133Gln (NM_001032381.2, NM_001032383.2, NM_001032384.1 and 2 more transcripts); c.374G>A, p.Arg125Gln (NM_001167990.2); c.292+296G>A (NM_144495.3); c.202-104G>A (NM_001167992.1); short protein forms R125Q, R133Q.
Identifiers: ClinVar variation 2112360 (VCV002112360.4), dbSNP rs782762100, ClinGen allele CA10405916.